The following is an entry in ClinVar:

NM_000059.4(BRCA2):c.7340A>G (p.Asn2447Ser)

Gene: BRCA2 (BRCA2 DNA repair associated; plus strand). Cytogenetic location: 13q13.1.
Variant type: single nucleotide variant.
Coding change: c.7340A>G on transcript NM_000059.4 (MANE Select); coding-DNA position 7340, A replaced by G.
Protein change: p.Asn2447Ser; replaces asparagine 2447 with serine.
Molecular consequence: missense variant.
Genome position (GRCh38, 1-based): chr13:32,355,193, A>G. VCF-style: chr13-32355193-A-G. GRCh37 (hg19) VCF-style: chr13-32929330-A-G.
Other names: short protein forms N2447S.
Identifiers: ClinVar variation 647836 (VCV000647836.11), dbSNP rs763490852, ClinGen allele CA387741277.

ClinVar aggregate classification (germline): Uncertain significance (1 of 4 stars; one submission).

Conditions:
Hereditary breast ovarian cancer syndrome. Also called: Hereditary breast and ovarian cancer; Hereditary breast and ovarian cancer syndrome; BRCA1- and BRCA2-Associated Hereditary Breast and Ovarian Cancer; Hereditary breast and ovarian cancer syndrome (HBOC); Breast and ovarian cancer; Hereditary breast and/or ovarian cancer syndrome. Identifiers: Orphanet 145, MedGen C0677776, MeSH D061325, MONDO:0003582. Disease mechanism: loss of function.

Submission:

Labcorp Genetics (formerly Invitae), Labcorp
Classification: Uncertain significance for Hereditary breast ovarian cancer syndrome. Last evaluated: 2019-11-14. Review status: criteria provided, single submitter. Criteria: Invitae Variant Classification Sherloc (09022015). Collection method: clinical testing. Allele origin: germline.
Comment: In summary, the available evidence is currently insufficient to determine the role of this variant in disease. Therefore, it has been classified as a Variant of Uncertain Significance. Algorithms developed to predict the effect of sequence changes on RNA splicing suggest that this variant may create or strengthen a splice site, but this prediction has not been confirmed by published transcriptional studies. Algorithms developed to predict the effect of missense changes on protein structure and function output the following: SIFT: "Tolerated"; PolyPhen-2: "Possibly Damaging"; Align-GVGD: "Class C0". The serine amino acid residue is found in multiple mammalian species, suggesting that this missense change does not adversely affect protein function. These predictions have not been confirmed by published functional studies and their clinical significance is uncertain. This variant has not been reported in the literature in individuals with BRCA2-related disease. This variant is not present in population databases (ExAC no frequency). This sequence change replaces asparagine with serine at codon 2447 of the BRCA2 protein (p.Asn2447Ser). The asparagine residue is weakly conserved and there is a small physicochemical difference between asparagine and serine.